The following is an entry in ClinVar:

ClinVar aggregate classification (germline): Pathogenic (1 of 4 stars; one submission).

Conditions:
Inborn genetic diseases. Identifiers: MedGen C0950123, MeSH D030342.

Submission:

Ambry Genetics
Classification: Pathogenic for Inborn genetic diseases. Last evaluated: 2025-04-24. Review status: criteria provided, single submitter. Criteria: Ambry Variant Classification Scheme 2023. Collection method: clinical testing. Allele origin: germline.
Comment: The c.5116dupC (p.Q1706Pfs*3) alteration, located in exon 27 (coding exon 27) of the CHD8 gene, consists of a duplication of C at position 5116, causing a translational frameshift with a predicted alternate stop codon after 3 amino acids. This alteration is expected to result in loss of function by premature protein truncation or nonsense-mediated mRNA decay. This variant was not reported in population-based cohorts in the Genome Aggregation Database (gnomAD). Based on the available evidence, this alteration is classified as pathogenic.

NM_001170629.2(CHD8):c.5116dup (p.Gln1706fs)

Gene: CHD8 (chromodomain helicase DNA binding protein 8; minus strand). Cytogenetic location: 14q11.2.
Variant type: Duplication.
Coding change: c.5116dup on transcript NM_001170629.2 (MANE Select); coding-DNA position 5116, one base duplicated (C; older notation c.5116dupC).
Protein change: p.Gln1706fs; shifts the reading frame from glutamine 1706.
Molecular consequence: frameshift variant.
Genome position (GRCh38, 1-based): chr14:21,395,828, G duplicated on the plus strand (C on the coding strand, the reverse complement: CHD8 is on the minus strand); the first of 2 consecutive G bases (chr14:21,395,828-21,395,829); duplicating either gives the same sequence. VCF-style (leftmost placement, unchanged base first): chr14-21395827-T-TG. GRCh37 (hg19) VCF-style: chr14-21863986-T-TG.
Other names: c.4279dup, p.Gln1427fs (NM_020920.4); short protein forms Q1427fs, Q1706fs.
Identifiers: ClinVar variation 4002175 (VCV004002175.1).